The following is an entry in ClinVar:

NM_002878.4(RAD51D):c.790C>A (p.Leu264Ile)

Genes: RAD51D (RAD51 paralog D; minus strand), RAD51L3-RFFL (RAD51L3-RFFL readthrough; minus strand). Cytogenetic location: 17q12.
Variant type: single nucleotide variant.
Coding change: c.790C>A on transcript NM_002878.4 (MANE Select); coding-DNA position 790, C replaced by A.
Protein change: p.Leu264Ile; replaces leucine 264 with isoleucine.
Molecular consequence: missense variant. On other transcripts: non-coding transcript variant (3).
Genome position (GRCh38, 1-based): chr17:35,101,314, G>T on the plus strand (C>A on the coding strand, the complement: RAD51D is on the minus strand). VCF-style: chr17-35101314-G-T. GRCh37 (hg19) VCF-style: chr17-33428333-G-T.
Other names: c.850C>A, p.Leu284Ile (NM_001142571.2); c.454C>A, p.Leu152Ile (NM_133629.3); short protein forms L152I, L284I, L264I.
Identifiers: ClinVar variation 3429746 (VCV003429746.1).

ClinVar aggregate classification (germline): Uncertain significance (1 of 4 stars; one submission).

Conditions:
Hereditary cancer-predisposing syndrome. Also called: Neoplastic Syndromes, Hereditary; Tumor predisposition; Hereditary Cancer Syndrome; Hereditary neoplastic syndrome. Identifiers: Orphanet 140162, MedGen C0027672, MeSH D009386, MONDO:0015356.

Submission:

Ambry Genetics
Classification: Uncertain significance for Hereditary cancer-predisposing syndrome. Last evaluated: 2024-07-31. Review status: criteria provided, single submitter. Criteria: Ambry Variant Classification Scheme 2023. Collection method: clinical testing. Allele origin: germline.
Comment: The p.L264I variant (also known as c.790C>A), located in coding exon 9 of the RAD51D gene, results from a C to A substitution at nucleotide position 790. The leucine at codon 264 is replaced by isoleucine, an amino acid with highly similar properties. This amino acid position is conserved. In addition, the in silico prediction for this alteration is inconclusive. Based on the available evidence, the clinical significance of this variant remains unclear.